The following is an entry in ClinVar:

ClinVar aggregate classification (germline): Benign. Review status: criteria provided, multiple submitters, no conflicts (2 of 4 stars). 3 submissions from 3 submitters: Benign (3). Last evaluated 2018-08-17.

Conditions:
Autosomal dominant Parkinson disease 8. Also called: Parkinson disease 8, susceptibility to; LRRK2-Related Parkinson Disease; Parkinson disease 8. Identifiers: Orphanet 411602, MedGen C1846862, MONDO:0011764, OMIM 607060.

Allele frequency attached by ClinVar (database versions not stated): gnomAD 0.13862 and 0.13723; 1000 Genomes Project 0.12260; gnomAD exomes 0.13309; 1000 Genomes Project 30x 0.12633; TOPMed 0.13995.
gnomAD v4.1: 163,199 of 1,220,566 alleles (13%); highest among the groups gnomAD compares: South Asian, 20%; 11,806 homozygotes.

Submissions (3):

GeneDx
Classification: Benign. Last evaluated: 2018-08-17. Review status: criteria provided, single submitter. Criteria: GeneDx Variant Classification Process June 2021. Collection method: clinical testing. Allele origin: germline. Affected: yes.

Illumina Laboratory Services, Illumina
Classification: Benign for Autosomal dominant Parkinson disease 8. Last evaluated: 2018-01-12. Review status: criteria provided, single submitter. Criteria: ICSL Variant Classification Criteria 13 December 2019. Collection method: clinical testing. Allele origin: germline.
Comment: This variant was observed in the ICSL laboratory as part of a predisposition screen in an ostensibly healthy population. It had not been previously curated by ICSL or reported in the Human Gene Mutation Database (HGMD: prior to June 1st, 2018), and was therefore a candidate for classification through an automated scoring system. Utilizing variant allele frequency, disease prevalence and penetrance estimates, and inheritance mode, an automated score was calculated to assess if this variant is too frequent to cause the disease. Based on the score and internal cut-off values, a variant classified as benign is not then subjected to further curation. The score for this variant resulted in a classification of benign for this disease.

Breakthrough Genomics
Classification: Benign. Review status: criteria provided, single submitter. Criteria: ACMG Guidelines, 2015. Collection method: not provided. Allele origin: germline. Inheritance: Autosomal dominant inheritance. Affected: yes.

NM_198578.4(LRRK2):c.*96T>C

Gene: LRRK2 (leucine rich repeat kinase 2; plus strand). Cytogenetic location: 12q12.
Variant type: single nucleotide variant.
Coding change: c.*96T>C on transcript NM_198578.4 (MANE Select); 96 bases downstream of the stop codon, T replaced by C.
Molecular consequence: 3 prime UTR variant.
Genome position (GRCh38, 1-based): chr12:40,367,861, T>C. VCF-style: chr12-40367861-T-C. GRCh37 (hg19) VCF-style: chr12-40761663-T-C.
Identifiers: ClinVar variation 308650 (VCV000308650.7), dbSNP rs66737902, ClinGen allele CA10641166.
Genomic context (GRCh38, chr12:40,367,861, plus strand): 5'-ATTCTCTCCTCTTGTAAATATTTATTTTAAAAATGTTCACATGGAAAGGGTACTCACATT[T>C]TTTGAAATAGCTCGTGTGTATGAAGGAATGTTATTATTTTTAATTTAAATATATGTAAAA-3'